The following is an entry in ClinVar:

ClinVar aggregate classification (germline): Uncertain significance (1 of 4 stars; one submission).

Conditions:
Treacher Collins syndrome 1 (TCS1). Also called: TCOF1-Related Treacher Collins Syndrome. Identifiers: Orphanet 861, MedGen CN315775, MONDO:0007944, OMIM 154500.

gnomAD v4.1: 6 of 1,614,100 alleles (0.00037%); highest among the groups gnomAD compares: Non-Finnish European, 0.00051%; no homozygotes.

Submission:

Labcorp Genetics (formerly Invitae), Labcorp
Classification: Uncertain significance for Treacher Collins syndrome 1. Last evaluated: 2024-02-17. Review status: criteria provided, single submitter. Criteria: Invitae Variant Classification Sherloc (09022015). Collection method: clinical testing. Allele origin: germline.
Comment: This sequence change replaces glutamic acid, which is acidic and polar, with valine, which is neutral and non-polar, at codon 938 of the TCOF1 protein (p.Glu938Val). This variant is present in population databases (rs768789804, gnomAD 0.0009%). This variant has not been reported in the literature in individuals affected with TCOF1-related conditions. Advanced modeling of protein sequence and biophysical properties (such as structural, functional, and spatial information, amino acid conservation, physicochemical variation, residue mobility, and thermodynamic stability) has been performed at Invitae for this missense variant, however the output from this modeling did not meet the statistical confidence thresholds required to predict the impact of this variant on TCOF1 protein function. In summary, the available evidence is currently insufficient to determine the role of this variant in disease. Therefore, it has been classified as a Variant of Uncertain Significance.

NM_001371623.1(TCOF1):c.2813A>T (p.Glu938Val)

Gene: TCOF1 (treacle ribosome biogenesis factor 1; plus strand). Cytogenetic location: 5q32.
Variant type: single nucleotide variant.
Coding change: c.2813A>T on transcript NM_001371623.1 (MANE Select); coding-DNA position 2813, A replaced by T.
Protein change: p.Glu938Val; replaces glutamic acid 938 with valine.
Molecular consequence: missense variant.
Genome position (GRCh38, 1-based): chr5:150,379,686, A>T. VCF-style: chr5-150379686-A-T. GRCh37 (hg19) VCF-style: chr5-149759249-A-T.
Other names: c.2582A>T, p.Glu861Val (NM_000356.4, NM_001135245.2); c.2813A>T, p.Glu938Val (NM_001008657.3, NM_001135243.2, NM_001135244.2 and 1 more transcripts); short protein forms E938V, E861V.
Identifiers: ClinVar variation 3713528 (VCV003713528.2).